The following is an entry in ClinVar:

NM_022455.5(NSD1):c.3949C>G (p.Leu1317Val)

Gene: NSD1 (nuclear receptor binding SET domain protein 1; plus strand). Cytogenetic location: 5q35.3.
Variant type: single nucleotide variant.
Coding change: c.3949C>G on transcript NM_022455.5 (MANE Select); coding-DNA position 3949, C replaced by G.
Protein change: p.Leu1317Val; replaces leucine 1317 with valine.
Molecular consequence: missense variant.
Genome position (GRCh38, 1-based): chr5:177,238,264, C>G. VCF-style: chr5-177238264-C-G. GRCh37 (hg19) VCF-style: chr5-176665265-C-G.
Other names: c.3076C>G, p.Leu1026Val (NM_001365684.2, NM_001409306.1, NM_001409307.1 and 3 more transcripts); c.3949C>G, p.Leu1317Val (NM_001409301.1, NM_001409302.1, NM_001409303.1); c.3529C>G, p.Leu1177Val (NM_001409304.1); c.3196C>G, p.Leu1066Val (NM_001409305.1); short protein forms L1048V, L1177V, L1066V, L1317V, L1026V.
Identifiers: ClinVar variation 2043295 (VCV002043295.4), dbSNP rs778390966, ClinGen allele CA132854088.

ClinVar aggregate classification (germline): Uncertain significance (1 of 4 stars; one submission).

Allele frequency attached by ClinVar (database versions not stated): gnomAD 0.00001.
gnomAD v4.1: 18 of 1,613,998 alleles (0.0011%); highest among the groups gnomAD compares: Non-Finnish European, 0.0015%; no homozygotes.

Submission:

Labcorp Genetics (formerly Invitae), Labcorp
Classification: Uncertain significance. Last evaluated: 2022-07-11. Review status: criteria provided, single submitter. Criteria: Invitae Variant Classification Sherloc (09022015). Collection method: clinical testing. Allele origin: germline.
Comment: This sequence change replaces leucine, which is neutral and non-polar, with valine, which is neutral and non-polar, at codon 1317 of the NSD1 protein (p.Leu1317Val). In summary, the available evidence is currently insufficient to determine the role of this variant in disease. Therefore, it has been classified as a Variant of Uncertain Significance. Advanced modeling of protein sequence and biophysical properties (such as structural, functional, and spatial information, amino acid conservation, physicochemical variation, residue mobility, and thermodynamic stability) performed at Invitae indicates that this missense variant is not expected to disrupt NSD1 protein function. This variant has not been reported in the literature in individuals affected with NSD1-related conditions. The frequency data for this variant in the population databases is considered unreliable, as metrics indicate poor data quality at this position in the gnomAD database.